The following is an entry in ClinVar:

ClinVar aggregate classification (germline): Pathogenic. Review status: criteria provided, multiple submitters, no conflicts (2 of 4 stars). 8 submissions from 8 submitters: Pathogenic (7). 1 of the submissions does not count toward it. Last evaluated 2026-05-04.

Conditions:
RDH5-related disorder. Also called: RDH5-related condition.
Pigmentary retinal dystrophy. Also called: Fundus albipunctatus. Identifiers: Orphanet 227796, Orphanet 52427, MedGen C0311338, MONDO:0007639, OMIM 136880, HP:0030642.

Allele frequency attached by ClinVar (database versions not stated): gnomAD 0.00001; gnomAD exomes 0.00002 and 0.00004; TOPMed 0.00002; ExAC 0.00003.
gnomAD v4.1: 24 of 1,613,824 alleles (0.0015%); highest among the groups gnomAD compares: Admixed American, 0.02%; no homozygotes.

Submissions (8):

PreventionGenetics, part of Exact Sciences
Classification: Pathogenic for RDH5-related condition. Last evaluated: 2026-05-04. Review status: criteria provided, single submitter. Criteria: ACMG Guidelines, 2015. Collection method: clinical testing. Allele origin: germline.
Comment: The RDH5 c.160C>T variant is predicted to result in premature protein termination (p.Arg54*). This variant has been reported, often in the homozygous state, in individual with fundus albipunctatus or unspecified retinal disease (see for examples: Pras et al. 2012. PubMed ID: 22815624; Table S2, Sharon et al. 2019. PubMed ID: 31456290). This variant is present in 0.020% of alleles in individuals of Ashkenazi Jewish descent in gnomAD. Nonsense variants in RDH5 are an established mechanism of disease. This variant is interpreted as pathogenic.

Labcorp Genetics (formerly Invitae), Labcorp
Classification: Pathogenic. Last evaluated: 2025-11-27. Review status: criteria provided, single submitter. Criteria: Invitae Variant Classification Sherloc (09022015). Collection method: clinical testing. Allele origin: germline.
Comment: This sequence change creates a premature translational stop signal (p.Arg54*) in the RDH5 gene. It is expected to result in an absent or disrupted protein product. Loss-of-function variants in RDH5 are known to be pathogenic (PMID: 11675386, 22815624). This variant is present in population databases (rs769035379, gnomAD 0.02%). This premature translational stop signal has been observed in individual(s) with fundus albipunctatus (PMID: 22815624). This variant is also known as c.343C>T. ClinVar contains an entry for this variant (Variation ID: 279881). For these reasons, this variant has been classified as Pathogenic.

GeneDx
Classification: Pathogenic. Last evaluated: 2023-08-22. Review status: criteria provided, single submitter. Criteria: GeneDx Variant Classification Process June 2021. Collection method: clinical testing. Allele origin: germline. Affected: yes.
Comment: Nonsense variant predicted to result in protein truncation or nonsense mediated decay in a gene for which loss of function is a known mechanism of disease; This variant is associated with the following publications: (PMID: 31456290, 22815624, 25820994, 35250012, 35433063, 31964843, 32579692)

CeGaT Center for Human Genetics Tuebingen
Classification: Pathogenic. Last evaluated: 2022-12-01. Review status: criteria provided, single submitter. Criteria: CeGaT Center For Human Genetics Tuebingen Variant Classification Criteria Version 2. Collection method: clinical testing. Allele origin: germline. Affected: yes. Observed: 1 variant allele.
Comment: RDH5: PVS1, PM2, PM3

Fulgent Genetics
Classification: Pathogenic for Pigmentary retinal dystrophy. Last evaluated: 2022-02-17. Review status: criteria provided, single submitter. Criteria: ACMG Guidelines, 2015. Collection method: clinical testing. Allele origin: unknown.

Blueprint Genetics
Classification: Pathogenic for RDH5-related disorders. Last evaluated: 2020-09-29. Review status: criteria provided, single submitter. Criteria: ACMG Guidelines, 2015. Collection method: clinical testing. Allele origin: germline. Affected: yes. Observed: 5 variant alleles.

Juno Genomics, Hangzhou Juno Genomics, Inc
Classification: Pathogenic for Pigmentary retinal dystrophy. Review status: criteria provided, single submitter. Criteria: ACMG Guidelines, 2015. Collection method: clinical testing. Allele origin: germline.
Comment: Absent from controls (or at extremely low frequency if recessive) in Genome Aggregation Database.;Null variant in a gene where loss of function (LOF) is a known mechanism of disease.;For recessive disorders, detected in trans with a pathogenic variant.

Sharon lab, Hadassah-Hebrew University Medical Center
Classification: Pathogenic for Fundus albipunctatus. Last evaluated: 2019-06-23. Review status: no assertion criteria provided. Collection method: research. Allele origin: inherited. Affected: yes. Not counted in ClinVar's aggregate classification.

Literature cited by the submitters: PubMed 11675386 (cited by Labcorp Genetics (formerly Invitae), Labcorp); PubMed 22815624 (cited by Labcorp Genetics (formerly Invitae), Labcorp).

NM_002905.5(RDH5):c.160C>T (p.Arg54Ter)

Genes: RDH5 (retinol dehydrogenase 5; plus strand), BLOC1S1-RDH5 (BLOC1S1-RDH5 readthrough; plus strand). Cytogenetic location: 12q13.2.
Variant type: single nucleotide variant.
Coding change: c.160C>T on transcript NM_002905.5 (MANE Select); coding-DNA position 160, C replaced by T.
Protein change: p.Arg54Ter; replaces arginine 54 with a stop codon.
Molecular consequence: nonsense.
Genome position (GRCh38, 1-based): chr12:55,721,344, C>T. VCF-style: chr12-55721344-C-T. GRCh37 (hg19) VCF-style: chr12-56115128-C-T.
Other names: c.160C>T, p.Arg54Ter (NM_001199771.3); short protein forms R54*.
Identifiers: ClinVar variation 279881 (VCV000279881.46), dbSNP rs769035379, ClinGen allele CA6616756.
Genomic context (GRCh38, chr12:55,721,344, plus strand): 5'-ACCGGCTGTGACTCAGGCTTTGGGCGCCTTCTGGCACTGCAGCTGGACCAGAGAGGCTTC[C>T]GAGTCCTGGCCAGCTGCCTGACCCCCTCCGGGGCCGAGGACCTGCAGCGGGTGGCCTCCT-3'